The following is an entry in ClinVar:

ClinVar aggregate classification (germline): Uncertain significance. Review status: criteria provided, multiple submitters, no conflicts (2 of 4 stars). 3 submissions from 3 submitters: Uncertain significance (3). Last evaluated 2025-08-25.

Conditions:
Limb-girdle muscular dystrophy due to POMK deficiency. Also called: Muscular dystrophy-dystroglycanopathy (limb-girdle), type c, 12; MUSCULAR DYSTROPHY-DYSTROGLYCANOPATHY, LIMB-GIRDLE, POMK-RELATED. Identifiers: Orphanet 445110, MedGen C4015184, MONDO:0014489, OMIM 616094.
Muscular dystrophy-dystroglycanopathy (congenital with brain and eye anomalies), type a, 12 (MDDGA12). Also called: WALKER-WARBURG SYNDROME OR MUSCLE-EYE-BRAIN DISEASE, POMK-RELATED. Identifiers: Orphanet 899, MedGen C3808964, MONDO:0014101, OMIM 615249.
Inborn genetic diseases. Identifiers: MedGen C0950123, MeSH D030342.

Allele frequency attached by ClinVar (database versions not stated): ExAC 0.00002.
gnomAD v4.1: 23 of 1,614,058 alleles (0.0014%); highest among the groups gnomAD compares: South Asian, 0.0055%; 1 homozygote.

Submissions (3):

Ambry Genetics
Classification: Uncertain significance for Inborn genetic diseases. Last evaluated: 2025-08-25. Review status: criteria provided, single submitter. Criteria: Ambry Variant Classification Scheme 2023. Collection method: clinical testing. Allele origin: germline.

Labcorp Genetics (formerly Invitae), Labcorp
Classification: Uncertain significance for Muscular dystrophy-dystroglycanopathy (congenital with brain and eye anomalies), type a, 12; Limb-girdle muscular dystrophy due to POMK deficiency. Last evaluated: 2024-03-04. Review status: criteria provided, single submitter. Criteria: Invitae Variant Classification Sherloc (09022015). Collection method: clinical testing. Allele origin: germline.
Comment: This sequence change replaces tyrosine, which is neutral and polar, with cysteine, which is neutral and slightly polar, at codon 140 of the POMK protein (p.Tyr140Cys). This variant is present in population databases (rs34750053, gnomAD 0.01%). This variant has not been reported in the literature in individuals affected with POMK-related conditions. ClinVar contains an entry for this variant (Variation ID: 2080362). Advanced modeling of protein sequence and biophysical properties (such as structural, functional, and spatial information, amino acid conservation, physicochemical variation, residue mobility, and thermodynamic stability) performed at Invitae indicates that this missense variant is not expected to disrupt POMK protein function with a negative predictive value of 80%. In summary, the available evidence is currently insufficient to determine the role of this variant in disease. Therefore, it has been classified as a Variant of Uncertain Significance.

GeneDx
Classification: Uncertain significance. Last evaluated: 2023-05-30. Review status: criteria provided, single submitter. Criteria: GeneDx Variant Classification Process June 2021. Collection method: clinical testing. Allele origin: germline. Affected: yes.
Comment: Not observed at significant frequency in large population cohorts (gnomAD); In silico analysis supports that this missense variant has a deleterious effect on protein structure/function; Has not been previously published as pathogenic or benign to our knowledge

NM_032237.5(POMK):c.419A>G (p.Tyr140Cys)

Gene: POMK (protein O-mannose kinase; plus strand). Cytogenetic location: 8p11.21.
Variant type: single nucleotide variant.
Coding change: c.419A>G on transcript NM_032237.5 (MANE Select); coding-DNA position 419, A replaced by G.
Protein change: p.Tyr140Cys; replaces tyrosine 140 with cysteine.
Molecular consequence: missense variant.
Genome position (GRCh38, 1-based): chr8:43,122,243, A>G. VCF-style: chr8-43122243-A-G. GRCh37 (hg19) VCF-style: chr8-42977386-A-G.
Other names: c.419A>G (NM_032237.4, NM_032237.3); c.419A>G, p.Tyr140Cys (NM_001277971.2); short protein forms Y140C.
Identifiers: ClinVar variation 2080362 (VCV002080362.5), dbSNP rs34750053, ClinGen allele CA4736283.